The following is an entry in ClinVar:

ClinVar aggregate classification (germline): Uncertain significance (1 of 4 stars; one submission).

Conditions:
KIDINS220-related disorder. Also called: KIDINS220-related condition.

gnomAD v4.1: 42 of 1,605,322 alleles (0.0026%); highest among the groups gnomAD compares: African/African-American, 0.0054%; no homozygotes.

Submission:

PreventionGenetics, part of Exact Sciences
Classification: Uncertain significance for KIDINS220-related condition. Last evaluated: 2026-07-09. Review status: criteria provided, single submitter. Criteria: ACMG Guidelines, 2015. Collection method: clinical testing. Allele origin: germline.
Comment: The KIDINS220 c.2867A>G variant is predicted to result in the amino acid substitution p.Asn956Ser. To our knowledge, this variant has not been reported in the literature. This variant is reported in 0.012% of alleles in individuals of African descent in gnomAD. At this time, the clinical significance of this variant is uncertain due to the absence of conclusive functional and genetic evidence.

NM_020738.4(KIDINS220):c.2867A>G (p.Asn956Ser)

Gene: KIDINS220 (kinase D interacting substrate 220; minus strand). Cytogenetic location: 2p25.1.
Variant type: single nucleotide variant.
Coding change: c.2867A>G on transcript NM_020738.4 (MANE Select); coding-DNA position 2867, A replaced by G.
Protein change: p.Asn956Ser; replaces asparagine 956 with serine.
Molecular consequence: missense variant. On other transcripts: non-coding transcript variant (2).
Genome position (GRCh38, 1-based): chr2:8,770,814, T>C on the plus strand (A>G on the coding strand, the complement: KIDINS220 is on the minus strand). VCF-style: chr2-8770814-T-C. GRCh37 (hg19) VCF-style: chr2-8910944-T-C.
Other names: c.2870A>G, p.Asn957Ser (NM_001348729.2, NM_001348731.2, NM_001348734.2 and 3 more transcripts); c.2867A>G, p.Asn956Ser (NM_001348732.2, NM_001348735.2, NM_001348738.2 and 3 more transcripts); c.2741A>G, p.Asn914Ser (NM_001348736.2); short protein forms N956S, N957S, N914S.
Identifiers: ClinVar variation 4993176 (VCV004993176.1).
Genomic context (GRCh38, chr2:8,770,814, plus strand): 5'-GGCCACTGCTCAGTAAGGTTGATCCAGCTAGCAAGCCTGTCCCAGTTGAAACTAATCTGA[T>C]TGGCTCTCAGTAATCGTCCTTTTAAAAAATACAAAAGCATTTAAAAATTAATAGATGTGT-3'
Protein context (NP_065789.1, residues 946-966): VSVTGRLLRA[Asn956Ser]QISFNWDRLA